The following is an entry in ClinVar:

NM_000548.5(TSC2):c.4493+18G>A

Gene: TSC2 (TSC complex subunit 2; plus strand). Cytogenetic location: 16p13.3.
Variant type: single nucleotide variant.
Coding change: c.4493+18G>A on transcript NM_000548.5 (MANE Select); 18 bases into the intron after coding-DNA position 4493, G replaced by A.
Molecular consequence: intron variant.
Genome position (GRCh38, 1-based): chr16:2,084,733, G>A. VCF-style: chr16-2084733-G-A. GRCh37 (hg19) VCF-style: chr16-2134734-G-A.
Other names: c.4493+18G>A (NM_000548.4); c.4424+18G>A (NM_001114382.3); c.4364+18G>A (NM_021055.3, NM_001370405.1); c.4295+18G>A (NM_001363528.2); c.4361+18G>A (NM_001370404.1); c.4292+18G>A (NM_001077183.3); c.4184+18G>A (NM_001318827.2); c.3761+18G>A (NM_001318831.2); and 2 more.
Identifiers: ClinVar variation 49996 (VCV000049996.41), dbSNP rs45454201, ClinGen allele CA020528.

ClinVar aggregate classification (germline): Benign/Likely benign. Review status: criteria provided, multiple submitters, no conflicts (2 of 4 stars). 7 submissions from 7 submitters: Benign (4); Likely benign (2). 1 of the submissions does not count toward it. Last evaluated 2026-01-27.

Conditions:
Tuberous sclerosis syndrome (TSC). Also called: Tuberous Sclerosis Complex; Tuberous sclerosis. Identifiers: Orphanet 805, MedGen C0041341, MONDO:0001734.
Tuberous sclerosis 2 (TSC2). Identifiers: Orphanet 805, MedGen C1860707, MONDO:0013199, OMIM 613254.

Allele frequency attached by ClinVar (database versions not stated): 1000 Genomes Project 30x 0.00187; gnomAD 0.00017 and 0.00029; gnomAD exomes 0.00032 and 0.00087; TOPMed 0.00065; ExAC 0.00077; 1000 Genomes Project 0.00160.
gnomAD v4.1: 507 of 1,598,412 alleles (0.032%); highest among the groups gnomAD compares: East Asian, 0.86%; 1 homozygote.

Submissions (7):

Labcorp Genetics (formerly Invitae), Labcorp
Classification: Benign for Tuberous sclerosis 2. Last evaluated: 2026-01-27. Review status: criteria provided, single submitter. Criteria: Invitae Variant Classification Sherloc (09022015). Collection method: clinical testing. Allele origin: germline.

Blueprint Genetics
Classification: Likely benign. Last evaluated: 2024-08-26. Review status: criteria provided, single submitter. Criteria: ACMG Guidelines, 2015. Collection method: clinical testing. Allele origin: germline.

KCCC/NGS Laboratory, Kuwait Cancer Control Center
Classification: Benign for Tuberous sclerosis 2. Last evaluated: 2023-07-07. Review status: criteria provided, single submitter. Criteria: ACMG Guidelines, 2015. Collection method: clinical testing. Allele origin: germline. Affected: yes.

CeGaT Center for Human Genetics Tuebingen
Classification: Likely benign. Last evaluated: 2022-12-01. Review status: criteria provided, single submitter. Criteria: CeGaT Center For Human Genetics Tuebingen Variant Classification Criteria Version 2. Collection method: clinical testing. Allele origin: germline. Affected: yes. Observed: 1 variant allele.
Comment: TSC2: BS1

ARUP Laboratories, Molecular Genetics and Genomics, ARUP Laboratories
Classification: Benign. Last evaluated: 2022-06-22. Review status: criteria provided, single submitter. Criteria: ARUP Molecular Germline Variant Investigation Process 2021. Collection method: clinical testing. Allele origin: germline.

GeneDx
Classification: Benign. Last evaluated: 2014-04-17. Review status: criteria provided, single submitter. Criteria: GeneDx Variant Classification (06012015). Collection method: clinical testing. Allele origin: germline. Affected: yes.
Comment: This variant is considered likely benign or benign based on one or more of the following criteria: it is a conservative change, it occurs at a poorly conserved position in the protein, it is predicted to be benign by multiple in silico algorithms, and/or has population frequency not consistent with disease.

Tuberous sclerosis database (TSC2)
No classification provided. Condition: TSC. Review status: no classification provided. Criteria: Tuberous Sclerosis Database Assertion Criteria 2015. Collection method: curation. Allele origin: germline. Affected: yes. Not counted in ClinVar's aggregate classification.